The following is an entry in ClinVar:

NM_001256627.2(BRSK2):c.2189C>A (p.Thr730Asn)

Gene: BRSK2 (BR serine/threonine kinase 2; plus strand). Cytogenetic location: 11p15.5.
Variant type: single nucleotide variant.
Coding change: c.2189C>A on transcript NM_001256627.2 (MANE Select); coding-DNA position 2189, C replaced by A.
Protein change: p.Thr730Asn; replaces threonine 730 with asparagine.
Molecular consequence: missense variant. On other transcripts: intron variant (14).
Genome position (GRCh38, 1-based): chr11:1,460,701, C>A. VCF-style: chr11-1460701-C-A. GRCh37 (hg19) VCF-style: chr11-1481931-C-A.
Other names: c.2279C>A, p.Thr760Asn (NM_001256630.1); c.2009C>A, p.Thr670Asn (NM_001440669.1); c.2420-269C>A (NM_001440665.1); c.2054-269C>A (NM_001440668.1); c.2006-269C>A (NM_001440670.1); c.2354-269C>A (NM_001440666.1); c.*10-269C>A (NM_001256629.2, NM_001282218.2); c.1988-269C>A (NM_003957.4); and 5 more; short protein forms T670N, T730N, T760N.
Identifiers: ClinVar variation 5008843 (VCV005008843.1).

ClinVar aggregate classification (germline): Uncertain significance (1 of 4 stars; one submission).

Submission:

GeneDx
Classification: Uncertain significance. Last evaluated: 2026-03-11. Review status: criteria provided, single submitter. Criteria: GeneDx Variant Classification Process June 2021. Collection method: clinical testing. Allele origin: germline.
Comment: Not observed at significant frequency in large population cohorts (gnomAD); In silico analysis suggests that this missense variant does not alter protein structure/function; Has not been previously published as pathogenic or benign to our knowledge